The following is an entry in ClinVar:

NM_024652.6(LRRK1):c.4754G>A (p.Ser1585Asn)

Genes: LRRK1 (leucine rich repeat kinase 1; plus strand), LRRK1-AS1 (LRRK1 antisense RNA 1; minus strand). Cytogenetic location: 15q26.3.
Variant type: single nucleotide variant.
Coding change: c.4754G>A on transcript NM_024652.6 (MANE Select); coding-DNA position 4754, G replaced by A.
Protein change: p.Ser1585Asn; replaces serine 1585 with asparagine.
Molecular consequence: missense variant.
Genome position (GRCh38, 1-based): chr15:101,061,245, G>A. VCF-style: chr15-101061245-G-A. GRCh37 (hg19) VCF-style: chr15-101601450-G-A.
Other names: short protein forms S1585N.
Identifiers: ClinVar variation 1443897 (VCV001443897.8), dbSNP rs2141154262, ClinGen allele CA393956924.

ClinVar aggregate classification (germline): Uncertain significance (1 of 4 stars; one submission).

Submission:

Labcorp Genetics (formerly Invitae), Labcorp
Classification: Uncertain significance. Last evaluated: 2023-03-17. Review status: criteria provided, single submitter. Criteria: Invitae Variant Classification Sherloc (09022015). Collection method: clinical testing. Allele origin: germline.
Comment: In summary, the available evidence is currently insufficient to determine the role of this variant in disease. Therefore, it has been classified as a Variant of Uncertain Significance. An algorithm developed to predict the effect of missense changes on protein structure and function (PolyPhen-2) suggests that this variant is likely to be tolerated. ClinVar contains an entry for this variant (Variation ID: 1443897). This variant has not been reported in the literature in individuals affected with LRRK1-related conditions. This variant is not present in population databases (gnomAD no frequency). This sequence change replaces serine, which is neutral and polar, with asparagine, which is neutral and polar, at codon 1585 of the LRRK1 protein (p.Ser1585Asn).